The following is an entry in ClinVar:

NM_002025.4(AFF2):c.2668C>T (p.His890Tyr)

Gene: AFF2 (ALF transcription elongation factor 2; plus strand). Cytogenetic location: Xq28.
Variant type: single nucleotide variant.
Coding change: c.2668C>T on transcript NM_002025.4 (MANE Select); coding-DNA position 2668, C replaced by T.
Protein change: p.His890Tyr; replaces histidine 890 with tyrosine.
Molecular consequence: missense variant.
Genome position (GRCh38, 1-based): chrX:148,958,436, C>T. VCF-style: chrX-148958436-C-T. GRCh37 (hg19) VCF-style: chrX-148039966-C-T.
Other names: c.2569C>T, p.His857Tyr (NM_001169122.2); c.2638C>T, p.His880Tyr (NM_001169123.2); c.2563C>T, p.His855Tyr (NM_001169124.2); c.2551C>T, p.His851Tyr (NM_001169125.2); c.1591C>T, p.His531Tyr (NM_001170628.1); short protein forms H531Y, H851Y, H855Y, H857Y, H880Y, H890Y.
Identifiers: ClinVar variation 3777308 (VCV003777308.1).

ClinVar aggregate classification (germline): Uncertain significance (1 of 4 stars; one submission).

Submission:

GeneDx
Classification: Uncertain significance. Last evaluated: 2024-10-10. Review status: criteria provided, single submitter. Criteria: GeneDx Variant Classification Process June 2021. Collection method: clinical testing. Allele origin: germline. Affected: yes.
Comment: Not observed at significant frequency in large population cohorts (gnomAD); In silico analysis supports that this missense variant has a deleterious effect on protein structure/function; Has not been previously published as pathogenic or benign to our knowledge